The following is an entry in ClinVar:

ClinVar aggregate classification (germline): Uncertain significance. Review status: criteria provided, multiple submitters, no conflicts (2 of 4 stars). 2 submissions from 2 submitters: Uncertain significance (2). Last evaluated 2024-08-20.

Conditions:
Inborn genetic diseases. Identifiers: MedGen C0950123, MeSH D030342.

Allele frequency attached by ClinVar (database versions not stated): TOPMed below 0.00001; gnomAD 0.00001; gnomAD exomes 0.00002; ExAC 0.00003; 1000 Genomes Project 30x 0.00016; 1000 Genomes Project 0.00020.
gnomAD v4.1: 5 of 1,614,148 alleles (0.00031%); highest among the groups gnomAD compares: South Asian, 0.0033%; no homozygotes.

Submissions (2):

Ambry Genetics
Classification: Uncertain significance for Inborn genetic diseases. Last evaluated: 2024-08-20. Review status: criteria provided, single submitter. Criteria: Ambry Variant Classification Scheme 2023. Collection method: clinical testing. Allele origin: germline.

Labcorp Genetics (formerly Invitae), Labcorp
Classification: Uncertain significance. Last evaluated: 2022-09-27. Review status: criteria provided, single submitter. Criteria: Invitae Variant Classification Sherloc (09022015). Collection method: clinical testing. Allele origin: germline.
Comment: This sequence change replaces alanine, which is neutral and non-polar, with threonine, which is neutral and polar, at codon 928 of the ADAMTS18 protein (p.Ala928Thr). This variant is present in population databases (rs575004193, gnomAD 0.01%). This variant has not been reported in the literature in individuals affected with ADAMTS18-related conditions. ClinVar contains an entry for this variant (Variation ID: 1396232). Algorithms developed to predict the effect of missense changes on protein structure and function output the following: SIFT: "Not Available"; PolyPhen-2: "Benign"; Align-GVGD: "Not Available". The threonine amino acid residue is found in multiple mammalian species, which suggests that this missense change does not adversely affect protein function. In summary, the available evidence is currently insufficient to determine the role of this variant in disease. Therefore, it has been classified as a Variant of Uncertain Significance.

NM_199355.4(ADAMTS18):c.2782G>A (p.Ala928Thr)

Gene: ADAMTS18 (ADAM metallopeptidase with thrombospondin type 1 motif 18; minus strand). Cytogenetic location: 16q23.1.
Variant type: single nucleotide variant.
Coding change: c.2782G>A on transcript NM_199355.4 (MANE Select); coding-DNA position 2782, G replaced by A.
Protein change: p.Ala928Thr; replaces alanine 928 with threonine.
Molecular consequence: missense variant.
Genome position (GRCh38, 1-based): chr16:77,297,308, C>T on the plus strand (G>A on the coding strand, the complement: ADAMTS18 is on the minus strand). VCF-style: chr16-77297308-C-T. GRCh37 (hg19) VCF-style: chr16-77331205-C-T.
Other names: c.2266G>A, p.Ala756Thr (NM_001326358.2); c.2782G>A (NM_199355.2); short protein forms A756T, A928T.
Identifiers: ClinVar variation 1396232 (VCV001396232.4), dbSNP rs575004193, ClinGen allele CA8180748.
Genomic context (GRCh38, chr16:77,297,308, plus strand): 5'-AAGTACAAAACTAAACAAAAAGACACTTCCAAATGACTTACTAAGCCGGGCAGGAGAAAG[C>T]GTTGCAGATTTTGGGCTCAGTTACTGGCTTGGTTTTTGCACTGCAGAATGAGGAATTGAC-3'
Protein context (NP_955387.1, residues 918-938): KPVTEPKICN[Ala928Thr]FSCPAYWMPG